The following is an entry in ClinVar:

ClinVar aggregate classification (germline): Likely benign. Review status: criteria provided, multiple submitters, no conflicts (2 of 4 stars). 2 submissions from 2 submitters: Likely benign (2). Last evaluated 2024-10-14.

Conditions:
Vesicoureteral reflux 2 (VUR2). Identifiers: Orphanet 289365, MedGen C1970483, MONDO:0012573, OMIM 610878.

Allele frequency attached by ClinVar (database versions not stated): gnomAD 0.00003 and 0.00004; TOPMed 0.00006; ESP Exome Variant Server 0.00008.
gnomAD v4.1: 79 of 1,612,806 alleles (0.0049%); highest among the groups gnomAD compares: Middle Eastern, 0.033%; no homozygotes.

Submissions (2):

Labcorp Genetics (formerly Invitae), Labcorp
Classification: Likely benign. Last evaluated: 2024-10-14. Review status: criteria provided, single submitter. Criteria: Invitae Variant Classification Sherloc (09022015). Collection method: clinical testing. Allele origin: germline.

Illumina Laboratory Services, Illumina
Classification: Likely benign for Vesicoureteral reflux 2. Last evaluated: 2018-01-12. Review status: criteria provided, single submitter. Criteria: ICSL Variant Classification Criteria 13 December 2019. Collection method: clinical testing. Allele origin: germline.
Comment: This variant was observed in the ICSL laboratory as part of a predisposition screen in an ostensibly healthy population. It had not been previously curated by ICSL or reported in the Human Gene Mutation Database (HGMD: prior to June 1st, 2018), and was therefore a candidate for classification through an automated scoring system. Utilizing variant allele frequency, disease prevalence and penetrance estimates, and inheritance mode, an automated score was calculated to assess if this variant is too frequent to cause the disease. Based on the score and internal cut-off values, a variant classified as likely benign is not then subjected to further curation. The score for this variant resulted in a classification of likely benign for this disease.

NM_001395656.1(ROBO2):c.2519G>A (p.Arg840His)

Gene: ROBO2 (roundabout guidance receptor 2; plus strand). Cytogenetic location: 3p12.3.
Variant type: single nucleotide variant.
Coding change: c.2519G>A on transcript NM_001395656.1 (MANE Select); coding-DNA position 2519, G replaced by A.
Protein change: p.Arg840His; replaces arginine 840 with histidine.
Molecular consequence: missense variant.
Genome position (GRCh38, 1-based): chr3:77,588,757, G>A. VCF-style: chr3-77588757-G-A. GRCh37 (hg19) VCF-style: chr3-77637908-G-A.
Other names: c.2555G>A, p.Arg852His (NM_001128929.3); c.2519G>A, p.Arg840His (NM_001290039.2, NM_001290040.2, NM_001378202.1); c.728G>A, p.Arg243His (NM_001290065.2); c.2567G>A, p.Arg856His (NM_001378190.1, NM_001378191.1, NM_001378195.1 and 4 more transcripts); c.2588G>A, p.Arg863His (NM_001378192.1, NM_001378194.1, NM_001378198.1 and 2 more transcripts); c.2507G>A, p.Arg836His (NM_001378193.1, NM_001378197.1, NM_002942.5); c.2576G>A, p.Arg859His (NM_001394212.1, NM_001394214.1, NM_001395657.1); short protein forms R836H, R840H, R863H, R243H, R852H, R856H, R859H.
Identifiers: ClinVar variation 902554 (VCV000902554.7), dbSNP rs377753892, ClinGen allele CA2497360.